The following is an entry in ClinVar:

ClinVar aggregate classification (germline): Likely benign. Review status: criteria provided, multiple submitters, no conflicts (2 of 4 stars). 2 submissions from 2 submitters: Likely benign (2). Last evaluated 2023-02-01.

Conditions:
Acroosteolysis-keloid-like lesions-premature aging syndrome. Also called: Premature aging syndrome, Penttinen type; Prematurely aged appearance, delayed bone maturation, acro-osteolysis, and brachydactyly; Progeroid syndrome, Penttinen type. Identifiers: Orphanet 363665, MedGen C1866182, MONDO:0011150, OMIM 601812.
Skeletal overgrowth-craniofacial dysmorphism-hyperelastic skin-white matter lesions syndrome. Also called: SKELETAL OVERGROWTH WITH FACIAL DYSMORPHISM, HYPERELASTIC SKIN, WHITE MATTER LESIONS, AND NEUROLOGIC DETERIORATION; Kosaki overgrowth syndrome. Identifiers: Orphanet 477831, MedGen C4225270, MONDO:0014704, OMIM 616592.
Infantile myofibromatosis (IMF). Also called: Congenital generalized fibromatosis. Identifiers: Orphanet 2591, MedGen C0432284, MONDO:0016824.
Basal ganglia calcification, idiopathic, 4 (PFBC4). Also called: Familial Idiopathic Basal Ganglia Calcification 4; PRIMARY FAMILIAL BRAIN CALCIFICATION 4, AUTOSOMAL DOMINANT. Identifiers: Orphanet 1980, MedGen C3554321, MONDO:0014004, OMIM 615007.

Allele frequency attached by ClinVar (database versions not stated): gnomAD 0.00001; gnomAD exomes 0.00002; TOPMed 0.00002; ExAC 0.00004.
gnomAD v4.1: 33 of 1,612,134 alleles (0.002%); highest among the groups gnomAD compares: South Asian, 0.0077%; 1 homozygote.

Submissions (2):

CeGaT Center for Human Genetics Tuebingen
Classification: Likely benign. Last evaluated: 2023-02-01. Review status: criteria provided, single submitter. Criteria: CeGaT Center For Human Genetics Tuebingen Variant Classification Criteria Version 2. Collection method: clinical testing. Allele origin: germline. Affected: yes. Observed: 1 variant allele.
Comment: PDGFRB: BP4, BP7

Labcorp Genetics (formerly Invitae), Labcorp
Classification: Likely benign for Basal ganglia calcification, idiopathic, 4; Skeletal overgrowth-craniofacial dysmorphism-hyperelastic skin-white matter lesions syndrome; Infantile myofibromatosis; Acroosteolysis-keloid-like lesions-premature aging syndrome. Last evaluated: 2022-12-28. Review status: criteria provided, single submitter. Criteria: Invitae Variant Classification Sherloc (09022015). Collection method: clinical testing. Allele origin: germline.

NM_002609.4(PDGFRB):c.1788G>A (p.Pro596=)

Gene: PDGFRB (platelet derived growth factor receptor beta; minus strand). Cytogenetic location: 5q32.
Variant type: single nucleotide variant.
Coding change: c.1788G>A on transcript NM_002609.4 (MANE Select); coding-DNA position 1788, G replaced by A.
Protein change: p.Pro596=; no amino-acid change (proline 596 retained).
Molecular consequence: synonymous variant.
Genome position (GRCh38, 1-based): chr5:150,125,464, C>T on the plus strand (G>A on the coding strand, the complement: PDGFRB is on the minus strand). VCF-style: chr5-150125464-C-T. GRCh37 (hg19) VCF-style: chr5-149505027-C-T.
Other names: c.1596G>A, p.Pro532= (NM_001355016.2); c.1305G>A, p.Pro435= (NM_001355017.2).
Identifiers: ClinVar variation 2655907 (VCV002655907.27), dbSNP rs781338234, ClinGen allele CA3507875.